The following is an entry in ClinVar:

NM_032444.4(SLX4):c.3746G>A (p.Ser1249Asn)

Gene: SLX4 (SLX4 structure-specific endonuclease subunit; minus strand). Cytogenetic location: 16p13.3.
Variant type: single nucleotide variant.
Coding change: c.3746G>A on transcript NM_032444.4 (MANE Select); coding-DNA position 3746, G replaced by A.
Protein change: p.Ser1249Asn; replaces serine 1249 with asparagine.
Molecular consequence: missense variant.
Genome position (GRCh38, 1-based): chr16:3,589,892, C>T on the plus strand (G>A on the coding strand, the complement: SLX4 is on the minus strand). VCF-style: chr16-3589892-C-T. GRCh37 (hg19) VCF-style: chr16-3639893-C-T.
Other names: c.3746G>A (LRG_503t1); short protein forms S1249N.
Identifiers: ClinVar variation 570189 (VCV000570189.7), dbSNP rs372991604, ClinGen allele CA7865847.

ClinVar aggregate classification (germline): Uncertain significance. Review status: criteria provided, multiple submitters, no conflicts (2 of 4 stars). 3 submissions from 3 submitters: Uncertain significance (3). Last evaluated 2024-05-22.

Conditions:
Fanconi anemia complementation group P. Also called: SLX4-Related Fanconi Anemia. Identifiers: Orphanet 84, MedGen C3469542, MONDO:0013499, OMIM 613951.
Fanconi anemia (FA). Also called: Fanconi's anemia. Identifiers: Orphanet 84, MedGen C0015625, MeSH D005199, MONDO:0019391.

Allele frequency attached by ClinVar (database versions not stated): ExAC 0.00002; gnomAD 0.00004; gnomAD exomes 0.00004; TOPMed 0.00004; ESP Exome Variant Server 0.00008.
gnomAD v4.1: 58 of 1,613,702 alleles (0.0036%); highest among the groups gnomAD compares: Middle Eastern, 0.016%; no homozygotes.

Submissions (3):

Fulgent Genetics
Classification: Uncertain significance for Fanconi anemia complementation group P. Last evaluated: 2024-05-22. Review status: criteria provided, single submitter. Criteria: ACMG Guidelines, 2015. Collection method: clinical testing. Allele origin: germline.

Labcorp Genetics (formerly Invitae), Labcorp
Classification: Uncertain significance for Fanconi anemia. Last evaluated: 2022-08-11. Review status: criteria provided, single submitter. Criteria: Invitae Variant Classification Sherloc (09022015). Collection method: clinical testing. Allele origin: germline.
Comment: This sequence change replaces serine, which is neutral and polar, with asparagine, which is neutral and polar, at codon 1249 of the SLX4 protein (p.Ser1249Asn). This variant is present in population databases (rs372991604, gnomAD 0.009%). This variant has not been reported in the literature in individuals affected with SLX4-related conditions. ClinVar contains an entry for this variant (Variation ID: 570189). Algorithms developed to predict the effect of missense changes on protein structure and function output the following: SIFT: "Tolerated"; PolyPhen-2: "Benign"; Align-GVGD: "Class C0". The asparagine amino acid residue is found in multiple mammalian species, which suggests that this missense change does not adversely affect protein function. In summary, the available evidence is currently insufficient to determine the role of this variant in disease. Therefore, it has been classified as a Variant of Uncertain Significance.

Revvity Omics, Revvity
Classification: Uncertain significance for Fanconi anemia complementation group P. Last evaluated: 2022-06-21. Review status: criteria provided, single submitter. Criteria: ACMG Guidelines, 2015. Collection method: clinical testing. Allele origin: germline.